The following is an entry in ClinVar:

NM_022893.4(BCL11A):c.148C>T (p.Gln50Ter)

Gene: BCL11A (BCL11 transcription factor A; minus strand). Cytogenetic location: 2p16.1.
Variant type: single nucleotide variant.
Coding change: c.148C>T on transcript NM_022893.4 (MANE Select); coding-DNA position 148, C replaced by T.
Protein change: p.Gln50Ter; replaces glutamine 50 with a stop codon.
Molecular consequence: nonsense.
Genome position (GRCh38, 1-based): chr2:60,546,208, G>A on the plus strand (C>T on the coding strand, the complement: BCL11A is on the minus strand). VCF-style: chr2-60546208-G-A. GRCh37 (hg19) VCF-style: chr2-60773343-G-A.
Other names: c.148C>T, p.Gln50Ter (NM_001363864.1, NM_001365609.1, NM_018014.4 and 1 more transcripts); short protein forms Q50*.
Identifiers: ClinVar variation 872912 (VCV000872912.2), dbSNP rs1670145015, ClinGen allele CA347041012.
Genomic context (GRCh38, chr2:60,546,208, plus strand): 5'-GTTTCCGTTTGTGCTCGATAAAAATAAGAATGTCCCCCAATGGGAAGTTCATCTGGCACT[G>A]CCCACAGGTGAGGAGGTCATGATCCCCTTCTGGAGCTCCCAACGGGCCGTGGTCTGGTTC-3'

ClinVar aggregate classification (germline): Pathogenic (1 of 4 stars; one submission).

Conditions:
Postaxial polydactyly. Identifiers: MedGen C0220697, MONDO:0020927, HP:0100259.
Delayed speech and language development. Also called: Language delay. Identifiers: MedGen C0454644, HP:0000750.

Submission:

Genomic Medicine Lab, University of California San Francisco
Classification: Pathogenic for Delayed speech and language development; Postaxial polydactyly. Last evaluated: 2017-08-25. Review status: criteria provided, single submitter. Criteria: ACMG Guidelines, 2015. Collection method: clinical testing. Allele origin: de novo. Inheritance: Autosomal dominant inheritance. Affected: yes. Observed: 1 heterozygote.
Comment: Loss of function variants in BCL11A (PMID: 27453576) and deletions that include BCL11A (PMID: 16963482) have been associated with moderate to severe intellectual disability, including speech and language delay, microcephaly, brain malformations, and strabismus. Persistence of fetal hemoglobin (significantly elevated HbF levels) has also been reported. Reported cases are heterozygous for the single nucleotide variant or the genomic deletion, suggesting haploinsufficiency. This c.148C>T (p.Q50*) variant has not been previously reported, but is predicted to cause loss of normal protein function through protein truncation. This variant is not reported in the 1000 Genomes, the NHLBI ESP, or gnomAD population sequencing projects.